The following is an entry in ClinVar:

ClinVar aggregate classification (germline): Uncertain significance (1 of 4 stars; one submission).

Submission:

Labcorp Genetics (formerly Invitae), Labcorp
Classification: Uncertain significance. Last evaluated: 2025-10-03. Review status: criteria provided, single submitter. Criteria: Invitae Variant Classification Sherloc (09022015). Collection method: clinical testing. Allele origin: germline.
Comment: This sequence change creates a premature translational stop signal (p.Met288Profs*55) in the SHPK gene. While this is not anticipated to result in nonsense mediated decay, it is expected to disrupt the last 191 amino acid(s) of the SHPK protein. This variant is not present in population databases (gnomAD no frequency). This variant has not been reported in the literature in individuals affected with SHPK-related conditions. Experimental studies and prediction algorithms are not available or were not evaluated, and the functional significance of this variant is currently unknown. In summary, the available evidence is currently insufficient to determine the role of this variant in disease. Therefore, it has been classified as a Variant of Uncertain Significance.

NM_013276.4(SHPK):c.860_861dup (p.Met288fs)

Gene: SHPK (sedoheptulokinase; minus strand). Cytogenetic location: 17p13.2.
Variant type: Duplication.
Coding change: c.860_861dup on transcript NM_013276.4 (MANE Select); coding-DNA positions 860 to 861, 2 bases duplicated (CC; older notation c.860_861dupCC).
Protein change: p.Met288fs; shifts the reading frame from methionine 288.
Molecular consequence: frameshift variant.
Genome position (GRCh38, 1-based): chr17:3,615,500-3,615,501, GG duplicated on the plus strand (CC on the coding strand, the reverse complement: SHPK is on the minus strand). VCF-style (leftmost placement, unchanged base first): chr17-3615499-T-TGG. GRCh37 (hg19) VCF-style: chr17-3518793-T-TGG.
Other names: short protein forms M288fs.
Identifiers: ClinVar variation 4724165 (VCV004724165.1).